The following is an entry in ClinVar:

NM_001267550.2(TTN):c.31295A>G (p.Lys10432Arg)

Gene: TTN (titin; minus strand). Cytogenetic location: 2q31.2.
Variant type: single nucleotide variant.
Coding change: c.31295A>G on transcript NM_001267550.2 (MANE Select); coding-DNA position 31295, A replaced by G.
Protein change: p.Lys10432Arg; replaces lysine 10432 with arginine.
Molecular consequence: missense variant. On other transcripts: intron variant (3).
Genome position (GRCh38, 1-based): chr2:178,694,882, T>C on the plus strand (A>G on the coding strand, the complement: TTN is on the minus strand). VCF-style: chr2-178694882-T-C. GRCh37 (hg19) VCF-style: chr2-179559609-T-C.
Other names: c.30344A>G, p.Lys10115Arg (NM_001256850.1); c.27563A>G, p.Lys9188Arg (NM_133378.4); c.13282+43200A>G (NM_003319.4); c.13858+43200A>G (NM_133437.4); c.13657+43200A>G (NM_133432.3); short protein forms K10432R, K10115R, K9188R.
Identifiers: ClinVar variation 535582 (VCV000535582.5), dbSNP rs879134517, ClinGen allele CA60991798.

ClinVar aggregate classification (germline): Uncertain significance. Review status: criteria provided, multiple submitters, no conflicts (2 of 4 stars). 3 submissions from 3 submitters: Uncertain significance (3). Last evaluated 2026-06-19.

Conditions:
TTN-related disorder. Also called: TTN-related condition; TTN-related disease; TTN-related disorders.
Dilated cardiomyopathy 1G (CMD1G). Identifiers: Orphanet 154, MedGen C1858763, MONDO:0011400, OMIM 604145.
Myopathy, myofibrillar, 9, with early respiratory failure (MFM9). Also called: Myopathy, distal, with early respiratory failure, autosomal dominant; EDSTROM MYOPATHY; Hereditary myopathy with early respiratory failure; MYOPATHY, PROXIMAL, WITH EARLY RESPIRATORY MUSCLE INVOLVEMENT. Identifiers: Orphanet 178464, Orphanet 34521, MedGen C1863599, MONDO:0011362, OMIM 603689.
Early-onset myopathy with fatal cardiomyopathy (CMYO5). Also called: CONGENITAL MYOPATHY 5 WITH CARDIOMYOPATHY; Salih Myopathy. Identifiers: Orphanet 289377, MedGen C2673677, MONDO:0012714, OMIM 611705. Disease mechanism: loss of function.
Autosomal recessive limb-girdle muscular dystrophy type 2J (LGMDR10). Also called: MUSCULAR DYSTROPHY, LIMB-GIRDLE, AUTOSOMAL RECESSIVE 10; Limb-girdle muscular dystrophy, type 2J. Identifiers: Orphanet 140922, MedGen C1837342, MONDO:0012127, OMIM 608807.
Hypertrophic cardiomyopathy 9. Also called: Familial hypertrophic cardiomyopathy 9. Identifiers: MedGen C1861065, MONDO:0013412, OMIM 613765.
Tibial muscular dystrophy (TMD). Also called: Udd Distal Myopathy – Tibial Muscular Dystrophy; Tibial muscular dystrophy, tardive; UDD MYOPATHY. Identifiers: Orphanet 609, MedGen C1838244, MONDO:0010870, OMIM 600334.

Allele frequency attached by ClinVar (database versions not stated): gnomAD 0.00001; gnomAD exomes 0.00002; TOPMed 0.00002.
gnomAD v4.1: 24 of 1,557,350 alleles (0.0015%); highest among the groups gnomAD compares: Non-Finnish European, 0.0021%; no homozygotes.

Submissions (3):

PreventionGenetics, part of Exact Sciences
Classification: Uncertain significance for TTN-related condition. Last evaluated: 2026-06-19. Review status: criteria provided, single submitter. Criteria: ACMG Guidelines, 2015. Collection method: clinical testing. Allele origin: germline.
Comment: The TTN c.31295A>G variant is predicted to result in the amino acid substitution p.Lys10432Arg. To our knowledge, this variant has not been reported in the literature or in a large population database (gnomAD), indicating this variant is rare. At this time, the clinical significance of this variant is uncertain due to the absence of conclusive functional and genetic evidence.

Fulgent Genetics
Classification: Uncertain significance for Tibial muscular dystrophy; Myopathy, myofibrillar, 9, with early respiratory failure; Dilated cardiomyopathy 1G; Autosomal recessive limb-girdle muscular dystrophy type 2J; Early-onset myopathy with fatal cardiomyopathy; Hypertrophic cardiomyopathy 9. Last evaluated: 2024-06-12. Review status: criteria provided, single submitter. Criteria: ACMG Guidelines, 2015. Collection method: clinical testing. Allele origin: germline.

Labcorp Genetics (formerly Invitae), Labcorp
Classification: Uncertain significance for Dilated cardiomyopathy 1G; Autosomal recessive limb-girdle muscular dystrophy type 2J. Last evaluated: 2017-11-15. Review status: criteria provided, single submitter. Criteria: Invitae Variant Classification Sherloc (09022015). Collection method: clinical testing. Allele origin: germline.